The following is an entry in ClinVar:

NM_031448.6(C19orf12):c.304A>T (p.Thr102Ser)

Gene: C19orf12 (chromosome 19 open reading frame 12; minus strand). Cytogenetic location: 19q12.
Variant type: single nucleotide variant.
Coding change: c.304A>T on transcript NM_031448.6 (MANE Select); coding-DNA position 304, A replaced by T.
Protein change: p.Thr102Ser; replaces threonine 102 with serine.
Molecular consequence: missense variant. On other transcripts: intron variant (1).
Genome position (GRCh38, 1-based): chr19:29,702,834, T>A on the plus strand (A>T on the coding strand, the complement: C19orf12 is on the minus strand). VCF-style: chr19-29702834-T-A. GRCh37 (hg19) VCF-style: chr19-30193741-T-A.
Other names: c.304A>T, p.Thr102Ser (NM_001031726.4, NM_001256047.2); c.112A>T, p.Thr38Ser (NM_001282929.1, NM_001282930.3, NM_001282931.3); c.290+14A>T (NM_001256046.3); short protein forms T102S, T38S.
Identifiers: ClinVar variation 2199250 (VCV002199250.4), dbSNP rs2513280425, ClinGen allele CA405142832.

ClinVar aggregate classification (germline): Uncertain significance (1 of 4 stars; one submission).

Conditions:
Hereditary spastic paraplegia 43. Also called: Spastic paraplegia 43, autosomal recessive. Identifiers: Orphanet 320370, MedGen C2680446, MONDO:0014024, OMIM 615043.

Allele frequency attached by ClinVar (database versions not stated): gnomAD exomes 0.00002.
gnomAD v4.1: 28 of 1,614,068 alleles (0.0017%); highest among the groups gnomAD compares: Non-Finnish European, 0.0024%; no homozygotes.

Submission:

Labcorp Genetics (formerly Invitae), Labcorp
Classification: Uncertain significance for Hereditary spastic paraplegia 43. Last evaluated: 2022-06-28. Review status: criteria provided, single submitter. Criteria: Invitae Variant Classification Sherloc (09022015). Collection method: clinical testing. Allele origin: germline.
Comment: This sequence change replaces threonine, which is neutral and polar, with serine, which is neutral and polar, at codon 113 of the C19orf12 protein (p.Thr113Ser). This variant is not present in population databases (gnomAD no frequency). This variant has not been reported in the literature in individuals affected with C19orf12-related conditions. Algorithms developed to predict the effect of missense changes on protein structure and function are either unavailable or do not agree on the potential impact of this missense change (SIFT: "Deleterious"; PolyPhen-2: "Benign"; Align-GVGD: "Class C0"). In summary, the available evidence is currently insufficient to determine the role of this variant in disease. Therefore, it has been classified as a Variant of Uncertain Significance.